The following is an entry in ClinVar:

NM_001042492.3(NF1):c.594dup (p.Phe199fs)

Gene: NF1 (neurofibromin 1; plus strand). Cytogenetic location: 17q11.2.
Variant type: Duplication.
Coding change: c.594dup on transcript NM_001042492.3 (MANE Select); coding-DNA position 594, one base duplicated (A; older notation c.594dupA).
Protein change: p.Phe199fs; shifts the reading frame from phenylalanine 199.
Molecular consequence: frameshift variant.
Genome position (GRCh38, 1-based): chr17:31,181,429, A duplicated. VCF-style (leftmost placement, unchanged base first): chr17-31181428-C-CA. GRCh37 (hg19) VCF-style: chr17-29508446-C-CA.
Other names: c.594dup, p.Phe199fs (NM_000267.4, NM_001128147.3); short protein forms F199fs.
Identifiers: ClinVar variation 4531645 (VCV004531645.1).

ClinVar aggregate classification (germline): Pathogenic (1 of 4 stars; one submission).

Conditions:
Neurofibromatosis, type 1 (NF1). Also called: Neurofibromatosis, type I; Peripheral type neurofibromatosis; VON RECKLINGHAUSEN DISEASE; NEUROFIBROMATOSIS, TYPE I, SOMATIC. Identifiers: Orphanet 636, MedGen C0027831, MONDO:0018975, OMIM 162200. Disease mechanism: loss of function.

Submission:

Victorian Clinical Genetics Services, Murdoch Childrens Research Institute
Classification: Pathogenic for Neurofibromatosis, type 1. Last evaluated: 2025-05-08. Review status: criteria provided, single submitter. Criteria: ACMG Guidelines, 2015. Collection method: clinical testing. Allele origin: germline. Affected: yes.
Comment: This variant is classified as Pathogenic. Evidence in support of pathogenic classification: Variant is predicted to cause nonsense-mediated decay (NMD) and loss of protein (premature termination codon is located at least 54 nucleotides upstream of the final exon-exon junction); Variant is absent from gnomAD (v2, v3 and v4); Other NMD-predicted variants comparable to the one identified in this case have very strong previous evidence for pathogenicity (DECIPHER); Additional information: This variant is heterozygous; This gene is associated with autosomal dominant disease; This variant has no previous evidence of pathogenicity; No published segregation evidence has been identified for this variant; No published functional evidence has been identified for this variant; Loss of function is a known mechanism of disease in this gene and is associated with neurofibromatosis, type 1 (MONDO:0018975); Variants in this gene are known to have variable expressivity. Disease manifestation can be extremely variable, even within a family (PMID: 20301288).

Literature cited by the submitters: PubMed 20301288.